The following is an entry in ClinVar:

NM_000812.4(GABRB1):c.296A>T (p.Tyr99Phe)

Gene: GABRB1 (gamma-aminobutyric acid type A receptor subunit beta1; plus strand). Cytogenetic location: 4p12.
Variant type: single nucleotide variant.
Coding change: c.296A>T on transcript NM_000812.4 (MANE Select); coding-DNA position 296, A replaced by T.
Protein change: p.Tyr99Phe; replaces tyrosine 99 with phenylalanine.
Molecular consequence: missense variant.
Genome position (GRCh38, 1-based): chr4:47,161,304, A>T. VCF-style: chr4-47161304-A-T. GRCh37 (hg19) VCF-style: chr4-47163321-A-T.
Other names: short protein forms Y99F.
Identifiers: ClinVar variation 2106065 (VCV002106065.4), dbSNP rs1211865241, ClinGen allele CA356805822.

ClinVar aggregate classification (germline): Uncertain significance (1 of 4 stars; one submission).

gnomAD v4.1: 2 of 1,611,450 alleles (0.00012%); highest among the groups gnomAD compares: Non-Finnish European, 0.00017%; no homozygotes.

Submission:

Labcorp Genetics (formerly Invitae), Labcorp
Classification: Uncertain significance. Last evaluated: 2024-05-31. Review status: criteria provided, single submitter. Criteria: Invitae Variant Classification Sherloc (09022015). Collection method: clinical testing. Allele origin: germline.
Comment: This sequence change replaces tyrosine, which is neutral and polar, with phenylalanine, which is neutral and non-polar, at codon 99 of the GABRB1 protein (p.Tyr99Phe). This variant is not present in population databases (gnomAD no frequency). This variant has not been reported in the literature in individuals affected with GABRB1-related conditions. ClinVar contains an entry for this variant (Variation ID: 2106065). Advanced modeling of protein sequence and biophysical properties (such as structural, functional, and spatial information, amino acid conservation, physicochemical variation, residue mobility, and thermodynamic stability) performed at Invitae indicates that this missense variant is not expected to disrupt GABRB1 protein function with a negative predictive value of 80%. In summary, the available evidence is currently insufficient to determine the role of this variant in disease. Therefore, it has been classified as a Variant of Uncertain Significance.